The following is an entry in ClinVar:

NM_004371.4(COPA):c.225T>G (p.Ile75Met)

Gene: COPA (coat protein complex I subunit alpha; minus strand). Cytogenetic location: 1q23.2.
Variant type: single nucleotide variant.
Coding change: c.225T>G on transcript NM_004371.4 (MANE Select); coding-DNA position 225, T replaced by G.
Protein change: p.Ile75Met; replaces isoleucine 75 with methionine.
Molecular consequence: missense variant.
Genome position (GRCh38, 1-based): chr1:160,339,912, A>C on the plus strand (T>G on the coding strand, the complement: COPA is on the minus strand). VCF-style: chr1-160339912-A-C. GRCh37 (hg19) VCF-style: chr1-160309702-A-C.
Other names: c.225T>G, p.Ile75Met (NM_001098398.2); short protein forms I75M.
Identifiers: ClinVar variation 1722167 (VCV001722167.5), dbSNP rs776753681, ClinGen allele CA1198439.

ClinVar aggregate classification (germline): Uncertain significance (1 of 4 stars; one submission).

Conditions:
Autoimmune interstitial lung disease-arthritis syndrome. Also called: Autoinflammation and autoimmunity, systemic, with immune dysregulation. Identifiers: Orphanet 444092, MedGen C5975714, MONDO:0014629.

Allele frequency attached by ClinVar (database versions not stated): ExAC 0.00001; gnomAD exomes 0.00001.
gnomAD v4.1: 7 of 1,613,592 alleles (0.00043%); highest among the groups gnomAD compares: Non-Finnish European, 0.00059%; no homozygotes.

Submission:

Labcorp Genetics (formerly Invitae), Labcorp
Classification: Uncertain significance for Autoimmune interstitial lung disease-arthritis syndrome. Last evaluated: 2025-09-10. Review status: criteria provided, single submitter. Criteria: Invitae Variant Classification Sherloc (09022015). Collection method: clinical testing. Allele origin: germline.
Comment: This sequence change replaces isoleucine, which is neutral and non-polar, with methionine, which is neutral and non-polar, at codon 75 of the COPA protein (p.Ile75Met). This variant is present in population databases (rs776753681, gnomAD 0.0009%). This variant has not been reported in the literature in individuals affected with COPA-related conditions. ClinVar contains an entry for this variant (Variation ID: 1722167). Invitae Evidence Modeling of protein sequence and biophysical properties (such as structural, functional, and spatial information, amino acid conservation, physicochemical variation, residue mobility, and thermodynamic stability) indicates that this missense variant is expected to disrupt COPA protein function with a positive predictive value of 80%. In summary, the available evidence is currently insufficient to determine the role of this variant in disease. Therefore, it has been classified as a Variant of Uncertain Significance.